The following is an entry in ClinVar:

ClinVar aggregate classification (germline): Conflicting classifications of pathogenicity. Review status: criteria provided, conflicting classifications (1 of 4 stars). 7 submissions from 7 submitters: Uncertain significance (1); Likely benign (4). 2 of the submissions do not count toward it. Last evaluated 2026-02-02.

Conditions:
Transcobalamin II deficiency (TCN2D). Also called: Transcolabamin II deficiency; TC II DEFICIENCY; TCN2 DEFICIENCY. Identifiers: Orphanet 859, MedGen C0342701, MONDO:0010149, OMIM 275350.

Allele frequency attached by ClinVar (database versions not stated): gnomAD 0.00010 and 0.00016; TOPMed 0.00012; 1000 Genomes Project 30x 0.00016; 1000 Genomes Project 0.00020; ESP Exome Variant Server 0.00023; gnomAD exomes 0.00030 and 0.00035; ExAC 0.00040.
gnomAD v4.1: 474 of 1,614,210 alleles (0.029%); highest among the groups gnomAD compares: Middle Eastern, 0.21%; 1 homozygote.

Submissions (7):

Labcorp Genetics (formerly Invitae), Labcorp
Classification: Likely benign for Transcobalamin II deficiency. Last evaluated: 2026-02-02. Review status: criteria provided, single submitter. Criteria: Invitae Variant Classification Sherloc (09022015). Collection method: clinical testing. Allele origin: germline.

Blueprint Genetics
Classification: Likely benign. Last evaluated: 2024-11-28. Review status: criteria provided, single submitter. Criteria: ACMG Guidelines, 2015. Collection method: clinical testing. Allele origin: germline.

CeGaT Center for Human Genetics Tuebingen
Classification: Likely benign. Last evaluated: 2023-02-01. Review status: criteria provided, single submitter. Criteria: CeGaT Center For Human Genetics Tuebingen Variant Classification Criteria Version 2. Collection method: clinical testing. Allele origin: germline. Affected: yes. Observed: 1 variant allele.
Comment: TCN2: BP4, BP7

Illumina Laboratory Services, Illumina
Classification: Uncertain significance for Transcobalamin II deficiency. Last evaluated: 2018-01-13. Review status: criteria provided, single submitter. Criteria: ICSL Variant Classification Criteria 13 December 2019. Collection method: clinical testing. Allele origin: germline.

ARUP Laboratories, Molecular Genetics and Genomics, ARUP Laboratories
Classification: Likely benign. Last evaluated: 2017-12-04. Review status: criteria provided, single submitter. Criteria: ARUP Molecular Germline Variant Investigation Process. Collection method: clinical testing. Allele origin: germline.
Comment: The p.Pro307Pro variant (rs138738105) does not alter the amino acid sequence of the TCN2 protein and computational splice site prediction algorithms do not predict a change in the nearest splice site or creation of a cryptic splice site (Alamut v2.10). This variant has not been reported in association with megaloblastic anemia in medical literature or in gene specific variation databases. This variant is listed in the Genome Aggregation Database (gnomAD) with a frequency of 0.2 percent in the South Asian population (identified on 49 out of 30,782 chromosomes), and has been reported to the ClinVar database (Variation ID: 341206). Based on these observations, the p.Pro307Pro variant is likely to be benign.

Clinical Genetics DNA and cytogenetics Diagnostics Lab, Erasmus MC, Erasmus Medical Center
Classification: Likely benign. Review status: no assertion criteria provided. Collection method: clinical testing. Allele origin: germline. Affected: yes. Study: VKGL Data-share Consensus. Not counted in ClinVar's aggregate classification.

Genome Diagnostics Laboratory, University Medical Center Utrecht
Classification: Likely benign. Review status: no assertion criteria provided. Collection method: clinical testing. Allele origin: germline. Affected: yes. Study: VKGL Data-share Consensus. Not counted in ClinVar's aggregate classification.

NM_000355.4(TCN2):c.921A>C (p.Pro307=)

Gene: TCN2 (transcobalamin 2; plus strand). Cytogenetic location: 22q12.2.
Variant type: single nucleotide variant.
Coding change: c.921A>C on transcript NM_000355.4 (MANE Select); coding-DNA position 921, A replaced by C.
Protein change: p.Pro307=; no amino-acid change (proline 307 retained).
Molecular consequence: synonymous variant.
Genome position (GRCh38, 1-based): chr22:30,615,768, A>C. VCF-style: chr22-30615768-A-C. GRCh37 (hg19) VCF-style: chr22-31011755-A-C.
Other names: c.840A>C, p.Pro280= (NM_001184726.2).
Identifiers: ClinVar variation 341206 (VCV000341206.50), dbSNP rs138738105, ClinGen allele CA10184884.